The following is an entry in ClinVar:

ClinVar aggregate classification (germline): Likely benign (1 of 4 stars; one submission).

Submission:

GeneDx
Classification: Likely benign. Last evaluated: 2016-07-26. Review status: criteria provided, single submitter. Criteria: GeneDx Variant Classification (06012015). Collection method: clinical testing. Allele origin: germline. Affected: yes.
Comment: This variant is considered likely benign or benign based on one or more of the following criteria: it is a conservative change, it occurs at a poorly conserved position in the protein, it is predicted to be benign by multiple in silico algorithms, and/or has population frequency not consistent with disease.

NM_001165963.4(SCN1A):c.3105A>G (p.Gln1035=)

Genes: SCN1A (sodium voltage-gated channel alpha subunit 1; minus strand), LOC102724058 (uncharacterized LOC102724058; plus strand). Cytogenetic location: 2q24.3.
Variant type: single nucleotide variant.
Coding change: c.3105A>G on transcript NM_001165963.4 (MANE Select); coding-DNA position 3105, A replaced by G.
Protein change: p.Gln1035=; no amino-acid change (glutamine 1035 retained).
Molecular consequence: synonymous variant. On other transcripts: non-coding transcript variant (2).
Genome position (GRCh38, 1-based): chr2:166,036,372, T>C on the plus strand (A>G on the coding strand, the complement: SCN1A is on the minus strand). VCF-style: chr2-166036372-T-C. GRCh37 (hg19) VCF-style: chr2-166892882-T-C.
Other names: c.3021A>G, p.Gln1007= (NM_001165964.3, NM_001353957.2, NM_001353958.2); c.3105A>G, p.Gln1035= (NM_001202435.3, NM_001353948.2); c.3072A>G, p.Gln1024= (NM_001353949.2, NM_001353950.2, NM_001353951.2 and 2 more transcripts); c.3069A>G, p.Gln1023= (NM_001353954.2, NM_001353955.2); c.3018A>G, p.Gln1006= (NM_001353960.2); c.663A>G, p.Gln221= (NM_001353961.2).
Identifiers: ClinVar variation 387886 (VCV000387886.1), dbSNP rs144013543, ClinGen allele CA16603938.